The following is an entry in ClinVar:

NM_000142.5(FGFR3):c.2216C>T (p.Pro739Leu)

Gene: FGFR3 (fibroblast growth factor receptor 3; plus strand). Cytogenetic location: 4p16.3.
Variant type: single nucleotide variant.
Coding change: c.2216C>T on transcript NM_000142.5 (MANE Select); coding-DNA position 2216, C replaced by T.
Protein change: p.Pro739Leu; replaces proline 739 with leucine.
Molecular consequence: missense variant. On other transcripts: synonymous variant (1), non-coding transcript variant (1).
Genome position (GRCh38, 1-based): chr4:1,806,876, C>T. VCF-style: chr4-1806876-C-T. GRCh37 (hg19) VCF-style: chr4-1808603-C-T.
Other names: c.2222C>T, p.Pro741Leu (NM_001163213.2); c.2219C>T, p.Pro740Leu (NM_001354809.2); c.2148C>T, p.Ala716= (NM_001354810.2); c.1880C>T, p.Pro627Leu (NM_022965.4); short protein forms P741L, P739L, P740L, P627L.
Identifiers: ClinVar variation 3731200 (VCV003731200.1).

ClinVar aggregate classification (germline): Uncertain significance (1 of 4 stars; one submission).

gnomAD v4.1: 2 of 1,611,786 alleles (0.00012%); highest among the groups gnomAD compares: Non-Finnish European, 0.00017%; no homozygotes.

Submission:

GeneDx
Classification: Uncertain significance. Last evaluated: 2024-08-13. Review status: criteria provided, single submitter. Criteria: GeneDx Variant Classification Process June 2021. Collection method: clinical testing. Allele origin: germline. Affected: yes.
Comment: Not observed at significant frequency in large population cohorts (gnomAD); In silico analysis supports that this missense variant has a deleterious effect on protein structure/function; Has not been previously published as pathogenic or benign to our knowledge